The following is an entry in ClinVar:

ClinVar aggregate classification (germline): Uncertain significance (1 of 4 stars; one submission).

Allele frequency attached by ClinVar (database versions not stated): gnomAD 0.00001; TOPMed 0.00002.
gnomAD v4.1: 3 of 1,613,918 alleles (0.00019%); highest among the groups gnomAD compares: African/African-American, 0.0013%; no homozygotes.

Submission:

Labcorp Genetics (formerly Invitae), Labcorp
Classification: Uncertain significance. Last evaluated: 2024-10-30. Review status: criteria provided, single submitter. Criteria: Invitae Variant Classification Sherloc (09022015). Collection method: clinical testing. Allele origin: germline.
Comment: This sequence change replaces threonine, which is neutral and polar, with alanine, which is neutral and non-polar, at codon 906 of the POLR1A protein (p.Thr906Ala). This variant is present in population databases (no rsID available, gnomAD 0.01%). This variant has not been reported in the literature in individuals affected with POLR1A-related conditions. ClinVar contains an entry for this variant (Variation ID: 1449980). Invitae Evidence Modeling of protein sequence and biophysical properties (such as structural, functional, and spatial information, amino acid conservation, physicochemical variation, residue mobility, and thermodynamic stability) indicates that this missense variant is not expected to disrupt POLR1A protein function with a negative predictive value of 80%. In summary, the available evidence is currently insufficient to determine the role of this variant in disease. Therefore, it has been classified as a Variant of Uncertain Significance.

NM_015425.6(POLR1A):c.2716A>G (p.Thr906Ala)

Gene: POLR1A (RNA polymerase I subunit A; minus strand). Cytogenetic location: 2p11.2.
Variant type: single nucleotide variant.
Coding change: c.2716A>G on transcript NM_015425.6 (MANE Select); coding-DNA position 2716, A replaced by G.
Protein change: p.Thr906Ala; replaces threonine 906 with alanine.
Molecular consequence: missense variant.
Genome position (GRCh38, 1-based): chr2:86,047,182, T>C on the plus strand (A>G on the coding strand, the complement: POLR1A is on the minus strand). VCF-style: chr2-86047182-T-C. GRCh37 (hg19) VCF-style: chr2-86274305-T-C.
Other names: short protein forms T906A.
Identifiers: ClinVar variation 1449980 (VCV001449980.6), dbSNP rs1425935611, ClinGen allele CA347539661.
Genomic context (GRCh38, chr2:86,047,182, plus strand): 5'-TTTGCTGACACCTGTAAAGCTGCCAACCCGCCTCTGCACATACCTGCATCGTGTTCACAG[T>C]TGAACCTTTGGCTCCCGACTGCACCATCATCTGCAGGCTGTTCTCTGGGAACTGTCTGTG-3'
Protein context (NP_056240.2, residues 896-916): MMVQSGAKGS[Thr906Ala]VNTMQISCLL